The following is an entry in ClinVar:

NM_007194.4(CHEK2):c.1229del (p.Cys410fs)

Gene: CHEK2 (checkpoint kinase 2; minus strand). Cytogenetic location: 22q12.1.
Variant type: Deletion.
Coding change: c.1229del on transcript NM_007194.4 (MANE Select); coding-DNA position 1229, one base deleted (G; older notation c.1229delG).
Protein change: p.Cys410fs; shifts the reading frame from cysteine 410.
Molecular consequence: frameshift variant.
Genome position (GRCh38, 1-based): chr22:28,695,740, C deleted on the plus strand (G on the coding strand, the reverse complement: CHEK2 is on the minus strand). VCF-style (leftmost placement, unchanged base first): chr22-28695739-GC-G. GRCh37 (hg19) VCF-style: chr22-29091727-GC-G.
Other names: c.1358delG, p.Cys453Serfs (NM_001005735.3); c.566delG, p.Cys189Serfs (NM_001257387.3); c.1028delG, p.Cys343Serfs (NM_001349956.3); c.1142delG, p.Cys381Serfs (NM_145862.3); short protein forms C189fs, C343fs, C410fs, C381fs, C453fs.
Identifiers: ClinVar variation 1755010 (VCV001755010.2), dbSNP rs2517804845, ClinGen allele CA1139770416.

ClinVar aggregate classification (germline): Pathogenic (1 of 4 stars; one submission).

Conditions:
Hereditary cancer-predisposing syndrome. Also called: Neoplastic Syndromes, Hereditary; Tumor predisposition; Hereditary Cancer Syndrome; Hereditary neoplastic syndrome. Identifiers: Orphanet 140162, MedGen C0027672, MeSH D009386, MONDO:0015356.

Submission:

Ambry Genetics
Classification: Pathogenic for Hereditary cancer-predisposing syndrome. Last evaluated: 2021-07-09. Review status: criteria provided, single submitter. Criteria: Ambry Variant Classification Scheme 2023. Collection method: clinical testing. Allele origin: germline.
Comment: The c.1229delG pathogenic mutation, located in coding exon 10 of the CHEK2 gene, results from a deletion of one nucleotide at nucleotide position 1229, causing a translational frameshift with a predicted alternate stop codon (p.C410Sfs*4). This alteration is expected to result in loss of function by premature protein truncation or nonsense-mediated mRNA decay. As such, this alteration is interpreted as a disease-causing mutation.